The following is an entry in ClinVar:

ClinVar aggregate classification (germline): Pathogenic. Review status: criteria provided, single submitter (1 of 4 stars). 3 submissions from 3 submitters: Pathogenic (1). 2 of the submissions do not count toward it. Last evaluated 2025-01-16.

Conditions:
Hereditary cancer-predisposing syndrome. Also called: Neoplastic Syndromes, Hereditary; Hereditary Cancer Syndrome; Tumor predisposition; Hereditary neoplastic syndrome. Identifiers: Orphanet 140162, MedGen C0027672, MeSH D009386, MONDO:0015356.
Birt-Hogg-Dube syndrome. Also called: Birt Hogg Dubé syndrome. Identifiers: Orphanet 122, MedGen C0346010, MONDO:0800444.
Familial spontaneous pneumothorax (PSP). Identifiers: Orphanet 2903, MedGen C1868193, MONDO:0008259, OMIM 173600.

Submissions (3):

Ambry Genetics
Classification: Pathogenic for Hereditary cancer-predisposing syndrome. Last evaluated: 2025-01-16. Review status: criteria provided, single submitter. Criteria: Ambry Variant Classification Scheme 2023. Collection method: clinical testing. Allele origin: germline.
Comment: The c.404delC pathogenic mutation, located in coding exon 3 of the FLCN gene, results from a deletion of one nucleotide at nucleotide position 404, causing a translational frameshift with a predicted alternate stop codon (p.P135Lfs*42). This variant, also described as c.402del, was reported in individual(s) with features consistent with Birt-Hogg-Dube syndrome (Namba Y et al. PLoS One. 2023 Jul;18:e0289175; Jikuya R et al. EBioMedicine. 2023 Jun;92:104596; Kumasaka T et al. Histopathology. 2014 Jul;65:100-10). This variant is considered to be rare based on population cohorts in the Genome Aggregation Database (gnomAD). In addition to the clinical data presented in the literature, this alteration is expected to result in loss of function by premature protein truncation or nonsense-mediated mRNA decay. As such, this alteration is interpreted as a disease-causing mutation.

Division of Respiratory Medicine of Juntendo University, Juntendo University Faculty of Medicine and Graduate School of Medicine
Classification: Pathogenic for Birt-Hogg-Dube syndrome 1. Last evaluated: 2023-07-01. Review status: no assertion criteria provided. Collection method: clinical testing. Allele origin: germline. Affected: yes. Not counted in ClinVar's aggregate classification.

OMIM
Classification: Pathogenic for PNEUMOTHORAX, PRIMARY SPONTANEOUS. Last evaluated: 2009-09-01. Review status: no assertion criteria provided. Collection method: literature only. Allele origin: germline. Not counted in ClinVar's aggregate classification.

Literature cited by the submitters: PubMed 24393238 (cited by Ambry Genetics); PubMed 37182269 (cited by Ambry Genetics); PubMed 37490463 (cited by Ambry Genetics); PubMed 17496196 (cited by OMIM); PubMed 19562744 (cited by OMIM).

NM_144997.7(FLCN):c.404del (p.Pro135fs)

Gene: FLCN (folliculin; minus strand). Cytogenetic location: 17p11.2.
Variant type: Deletion.
Coding change: c.404del on transcript NM_144997.7 (MANE Select); coding-DNA position 404, one base deleted (C; older notation c.404delC).
Protein change: p.Pro135fs; shifts the reading frame from proline 135.
Molecular consequence: frameshift variant.
Genome position (GRCh38, 1-based): chr17:17,224,136, G deleted on the plus strand (C on the coding strand, the reverse complement: FLCN is on the minus strand); the first of 3 consecutive G bases (chr17:17,224,136-17,224,138); deleting any one gives the same sequence. VCF-style (leftmost placement, unchanged base first): chr17-17224135-AG-A. GRCh37 (hg19) VCF-style: chr17-17127449-AG-A.
Other names: c.402del (NM_144997.7); c.404del (LRG_325t1); c.404delC (NM_144997.5); c.458del, p.Pro153fs (NM_001353229.2); c.404del, p.Pro135fs (NM_001353230.2, NM_001353231.2, NM_144606.7); short protein forms P153fs, P135fs.
Identifiers: ClinVar variation 3373 (VCV000003373.3), dbSNP rs886037609, ClinGen allele CA10575475.